The following is an entry in ClinVar:

NM_025114.4(CEP290):c.4986A>G (p.Val1662=)

Gene: CEP290 (centrosomal protein 290; minus strand). Cytogenetic location: 12q21.32.
Variant type: single nucleotide variant.
Coding change: c.4986A>G on transcript NM_025114.4 (MANE Select); coding-DNA position 4986, A replaced by G.
Protein change: p.Val1662=; no amino-acid change (valine 1662 retained).
Molecular consequence: synonymous variant.
Genome position (GRCh38, 1-based): chr12:88,083,057, T>C on the plus strand (A>G on the coding strand, the complement: CEP290 is on the minus strand). VCF-style: chr12-88083057-T-C. GRCh37 (hg19) VCF-style: chr12-88476834-T-C.
Identifiers: ClinVar variation 2119488 (VCV002119488.4), dbSNP rs2499955696, ClinGen allele CA481075564.

ClinVar aggregate classification (germline): Uncertain significance (1 of 4 stars; one submission).

Conditions:
Joubert syndrome. Also called: CEREBELLOPARENCHYMAL DISORDER IV; JOUBERT-BOLTSHAUSER SYNDROME; Familial aplasia of the vermis. Identifiers: Orphanet 475, MedGen C5979921, MONDO:0018772.
Nephronophthisis. Also called: Juvenile Nephronophthisis. Identifiers: Orphanet 655, MedGen C0687120, MONDO:0019005, HP:0000090.
Meckel-Gruber syndrome. Also called: DYSENCEPHALIA SPLANCHNOCYSTICA; GRUBER SYNDROME; Dysencephalia splachnocystica. Identifiers: Orphanet 564, MedGen C0265215, MONDO:0018921.

Submission:

Labcorp Genetics (formerly Invitae), Labcorp
Classification: Uncertain significance for Joubert syndrome; Meckel-Gruber syndrome; Nephronophthisis. Last evaluated: 2022-11-08. Review status: criteria provided, single submitter. Criteria: Invitae Variant Classification Sherloc (09022015). Collection method: clinical testing. Allele origin: germline.
Comment: In summary, the available evidence is currently insufficient to determine the role of this variant in disease. Therefore, it has been classified as a Variant of Uncertain Significance. Algorithms developed to predict the effect of sequence changes on RNA splicing suggest that this variant may disrupt the consensus splice site. This variant has not been reported in the literature in individuals affected with CEP290-related conditions. This variant is not present in population databases (gnomAD no frequency). This sequence change affects codon 1662 of the CEP290 mRNA. It is a 'silent' change, meaning that it does not change the encoded amino acid sequence of the CEP290 protein.